The following is an entry in ClinVar:

ClinVar aggregate classification (germline): Uncertain significance (1 of 4 stars; one submission).

Allele frequency attached by ClinVar (database versions not stated): TOPMed 0.00001; ESP Exome Variant Server 0.00015.
gnomAD v4.1: 8 of 1,612,750 alleles (0.0005%); highest among the groups gnomAD compares: Non-Finnish European, 0.00068%; no homozygotes.

Submission:

Labcorp Genetics (formerly Invitae), Labcorp
Classification: Uncertain significance. Last evaluated: 2022-06-24. Review status: criteria provided, single submitter. Criteria: Invitae Variant Classification Sherloc (09022015). Collection method: clinical testing. Allele origin: germline.
Comment: This sequence change replaces arginine, which is basic and polar, with glutamine, which is neutral and polar, at codon 1026 of the LAMA5 protein (p.Arg1026Gln). This variant is present in population databases (rs150692106, gnomAD 0.0009%). This variant has not been reported in the literature in individuals affected with LAMA5-related conditions. Algorithms developed to predict the effect of missense changes on protein structure and function are either unavailable or do not agree on the potential impact of this missense change (SIFT: "Tolerated"; PolyPhen-2: "Possibly Damaging"; Align-GVGD: "Class C0"). Algorithms developed to predict the effect of sequence changes on RNA splicing suggest that this variant may create or strengthen a splice site. In summary, the available evidence is currently insufficient to determine the role of this variant in disease. Therefore, it has been classified as a Variant of Uncertain Significance.

NM_005560.6(LAMA5):c.3077G>A (p.Arg1026Gln)

Gene: LAMA5 (laminin subunit alpha 5; minus strand). Cytogenetic location: 20q13.33.
Variant type: single nucleotide variant.
Coding change: c.3077G>A on transcript NM_005560.6 (MANE Select); coding-DNA position 3077, G replaced by A.
Protein change: p.Arg1026Gln; replaces arginine 1026 with glutamine.
Molecular consequence: missense variant.
Genome position (GRCh38, 1-based): chr20:62,333,426, C>T on the plus strand (G>A on the coding strand, the complement: LAMA5 is on the minus strand). VCF-style: chr20-62333426-C-T. GRCh37 (hg19) VCF-style: chr20-60908482-C-T.
Other names: short protein forms R1026Q.
Identifiers: ClinVar variation 2173932 (VCV002173932.4), dbSNP rs150692106, ClinGen allele CA9943180.